The following is an entry in ClinVar:

NM_052865.4(MGME1):c.1018C>A (p.Pro340Thr)

Gene: MGME1 (mitochondrial genome maintenance exonuclease 1; plus strand). Cytogenetic location: 20p11.23.
Variant type: single nucleotide variant.
Coding change: c.1018C>A on transcript NM_052865.4 (MANE Select); coding-DNA position 1018, C replaced by A.
Protein change: p.Pro340Thr; replaces proline 340 with threonine.
Molecular consequence: missense variant.
Genome position (GRCh38, 1-based): chr20:17,990,092, C>A. VCF-style: chr20-17990092-C-A. GRCh37 (hg19) VCF-style: chr20-17970735-C-A.
Other names: c.1063C>A, p.Pro355Thr (NM_001310338.2); c.665C>A, p.Thr222Asn (NM_001310339.2); c.778C>A, p.Pro260Thr (NM_001363738.2); short protein forms T222N, P340T, P260T, P355T.
Identifiers: ClinVar variation 1029042 (VCV001029042.1), dbSNP rs1024634197, ClinGen allele CA312290808.
Genomic context (GRCh38, chr20:17,990,092, plus strand): 5'-AAGTGGCTTCTTCGACTAGAAGAATATACGGAAAAGAAAAAGAACCAGAATATTCAGAAA[C>A]CAGAATATTCAGAATAGGGAGCAAGTTGCTATTTGGGAACATTCAGCACCTTCTCACAGT-3'
Protein context (NP_443097.1, residues 330-344): EKKKNQNIQK[Pro340Thr]EYSE

ClinVar aggregate classification (germline): Uncertain significance (1 of 4 stars; one submission).

Conditions:
Mitochondrial DNA depletion syndrome 11 (MTDPS11). Identifiers: Orphanet 352447, MedGen C3554462, MONDO:0014039, OMIM 615084.

Allele frequency attached by ClinVar (database versions not stated): gnomAD exomes below 0.00001; TOPMed 0.00003 and 0.00004; gnomAD 0.00004.

Submission:

Baylor Genetics
Classification: Uncertain significance for Mitochondrial DNA depletion syndrome 11. Last evaluated: 2020-10-02. Review status: criteria provided, single submitter. Criteria: ACMG Guidelines, 2015. Collection method: clinical testing. Allele origin: unknown. Affected: yes.
Comment: This variant was determined to be of uncertain significance according to ACMG Guidelines, 2015 [PMID:25741868].